The following is an entry in ClinVar:

ClinVar aggregate classification (germline): Likely benign (1 of 4 stars; one submission).

Submission:

CeGaT Center for Human Genetics Tuebingen
Classification: Likely benign. Last evaluated: 2024-12-01. Review status: criteria provided, single submitter. Criteria: CeGaT Center For Human Genetics Tuebingen Variant Classification Criteria Version 2. Collection method: clinical testing. Allele origin: germline. Affected: yes. Observed: 1 variant allele.
Comment: SPTA1: PM2:Supporting, BP4, BP7

NM_003126.4(SPTA1):c.696A>T (p.Leu232=)

Gene: SPTA1 (spectrin alpha, erythrocytic 1; minus strand). Cytogenetic location: 1q23.1.
Variant type: single nucleotide variant.
Coding change: c.696A>T on transcript NM_003126.4 (MANE Select); coding-DNA position 696, A replaced by T.
Protein change: p.Leu232=; no amino-acid change (leucine 232 retained).
Molecular consequence: synonymous variant.
Genome position (GRCh38, 1-based): chr1:158,678,517, T>A on the plus strand (A>T on the coding strand, the complement: SPTA1 is on the minus strand). VCF-style: chr1-158678517-T-A. GRCh37 (hg19) VCF-style: chr1-158648307-T-A.
Identifiers: ClinVar variation 3772087 (VCV003772087.13).